The following is an entry in ClinVar:

NM_003664.5(AP3B1):c.603+3A>G

Gene: AP3B1 (adaptor related protein complex 3 subunit beta 1; minus strand). Cytogenetic location: 5q14.1.
Variant type: single nucleotide variant.
Coding change: c.603+3A>G on transcript NM_003664.5 (MANE Select); 3 bases into the intron after coding-DNA position 603, A replaced by G.
Molecular consequence: intron variant.
Genome position (GRCh38, 1-based): chr5:78,225,539, T>C on the plus strand (A>G on the coding strand, the complement: AP3B1 is on the minus strand). VCF-style: chr5-78225539-T-C. GRCh37 (hg19) VCF-style: chr5-77521363-T-C.
Other names: c.456+3A>G (NM_001271769.2).
Identifiers: ClinVar variation 969470 (VCV000969470.6), dbSNP rs1357382699, ClinGen allele CA560507936.

ClinVar aggregate classification (germline): Uncertain significance (1 of 4 stars; one submission).

Conditions:
Hermansky-Pudlak syndrome 2 (HPS2). Also called: Platelet defects and oculocutaneous albinism. Identifiers: Orphanet 183678, Orphanet 79430, MedGen C1842362, MONDO:0011997, OMIM 608233.

Allele frequency attached by ClinVar (database versions not stated): gnomAD exomes below 0.00001; gnomAD 0.00001.
gnomAD v4.1: 3 of 1,519,658 alleles (0.0002%); highest among the groups gnomAD compares: Non-Finnish European, 0.00027%; no homozygotes.

Submission:

Labcorp Genetics (formerly Invitae), Labcorp
Classification: Uncertain significance for Hermansky-Pudlak syndrome 2. Last evaluated: 2022-07-12. Review status: criteria provided, single submitter. Criteria: Invitae Variant Classification Sherloc (09022015). Collection method: clinical testing. Allele origin: germline.
Comment: This variant is present in population databases (no rsID available, gnomAD 0.02%). This variant has not been reported in the literature in individuals affected with AP3B1-related conditions. ClinVar contains an entry for this variant (Variation ID: 969470). Variants that disrupt the consensus splice site are a relatively common cause of aberrant splicing (PMID: 17576681, 9536098). Algorithms developed to predict the effect of sequence changes on RNA splicing suggest that this variant is not likely to affect RNA splicing. In summary, the available evidence is currently insufficient to determine the role of this variant in disease. Therefore, it has been classified as a Variant of Uncertain Significance. This sequence change falls in intron 6 of the AP3B1 gene. It does not directly change the encoded amino acid sequence of the AP3B1 protein. It affects a nucleotide within the consensus splice site.

Literature cited by the submitters: PubMed 17576681; PubMed 9536098.